The following is an entry in ClinVar:

NM_000287.4(PEX6):c.870G>C (p.Glu290Asp)

Gene: PEX6 (peroxisomal biogenesis factor 6; minus strand). Cytogenetic location: 6p21.1.
Variant type: single nucleotide variant.
Coding change: c.870G>C on transcript NM_000287.4 (MANE Select); coding-DNA position 870, G replaced by C.
Protein change: p.Glu290Asp; replaces glutamic acid 290 with aspartic acid.
Molecular consequence: missense variant. On other transcripts: non-coding transcript variant (1), intron variant (1).
Genome position (GRCh38, 1-based): chr6:42,978,281, C>G on the plus strand (G>C on the coding strand, the complement: PEX6 is on the minus strand). VCF-style: chr6-42978281-C-G. GRCh37 (hg19) VCF-style: chr6-42946019-C-G.
Other names: c.618+252G>C (NM_001316313.2); short protein forms E290D.
Identifiers: ClinVar variation 193076 (VCV000193076.16), dbSNP rs150358700, ClinGen allele CA238580.
Genomic context (GRCh38, chr6:42,978,281, plus strand): 5'-AGGGTATAAGAAAGAGGAAGCACTCCTGACCCCAGTCCTTTATCCTACCTGAATTCTGAG[C>G]TCTCCCATTTCCAGGGGGTCACAGCCAAGATTAAAAGCCAAAGTGGCAGGGACAAGCGCC-3'
Protein context (NP_000278.3, residues 280-300): NLGCDPLEMG[Glu290Asp]LRIQRYLEGS

ClinVar aggregate classification (germline): Uncertain significance. Review status: criteria provided, multiple submitters, no conflicts (2 of 4 stars). 5 submissions from 5 submitters: Uncertain significance (5). Last evaluated 2026-04-29.

Conditions:
PEX6-related disorder. Also called: PEX6-related condition; PEX6-related disorders.
Inborn genetic diseases. Identifiers: MedGen C0950123, MeSH D030342.
Peroxisome biogenesis disorder 4A (Zellweger) (PBD4A). Also called: Zellweger syndrome spectrum (PEX6-related). Identifiers: Orphanet 912, MedGen C3553936, MONDO:0013930, OMIM 614862. Disease mechanism: loss of function.
Peroxisome biogenesis disorder. Identifiers: Orphanet 79189, MedGen C1832200, MONDO:0019234. Disease mechanism: loss of function.

Allele frequency attached by ClinVar (database versions not stated): ExAC 0.00002; TOPMed 0.00002; gnomAD exomes 0.00004; ESP Exome Variant Server 0.00015.
gnomAD v4.1: 55 of 1,614,210 alleles (0.0034%); highest among the groups gnomAD compares: Non-Finnish European, 0.0046%; no homozygotes.

Submissions (5):

PreventionGenetics, part of Exact Sciences
Classification: Uncertain significance for PEX6-related condition. Last evaluated: 2026-04-29. Review status: criteria provided, single submitter. Criteria: ACMG Guidelines, 2015. Collection method: clinical testing. Allele origin: germline.
Comment: The PEX6 c.870G>C variant is predicted to result in the amino acid substitution p.Glu290Asp. To our knowledge, this variant has not been reported in the literature. This variant is reported in 0.0079% of alleles in individuals of European (Non-Finnish) descent in gnomAD. At this time, the clinical significance of this variant is uncertain due to the absence of conclusive functional and genetic evidence.

Ambry Genetics
Classification: Uncertain significance for Inborn genetic diseases. Last evaluated: 2023-02-16. Review status: criteria provided, single submitter. Criteria: Ambry Variant Classification Scheme 2023. Collection method: clinical testing. Allele origin: germline.

Labcorp Genetics (formerly Invitae), Labcorp
Classification: Uncertain significance for Peroxisome biogenesis disorder. Last evaluated: 2022-07-12. Review status: criteria provided, single submitter. Criteria: Invitae Variant Classification Sherloc (09022015). Collection method: clinical testing. Allele origin: germline.
Comment: This sequence change replaces glutamic acid, which is acidic and polar, with aspartic acid, which is acidic and polar, at codon 290 of the PEX6 protein (p.Glu290Asp). This variant is present in population databases (rs150358700, gnomAD 0.007%). This variant has not been reported in the literature in individuals affected with PEX6-related conditions. ClinVar contains an entry for this variant (Variation ID: 193076). Algorithms developed to predict the effect of missense changes on protein structure and function (SIFT, PolyPhen-2, Align-GVGD) all suggest that this variant is likely to be tolerated. In summary, the available evidence is currently insufficient to determine the role of this variant in disease. Therefore, it has been classified as a Variant of Uncertain Significance.

Illumina Laboratory Services, Illumina
Classification: Uncertain significance for Peroxisome biogenesis disorder 4A (Zellweger). Last evaluated: 2018-01-13. Review status: criteria provided, single submitter. Criteria: ICSL Variant Classification Criteria 13 December 2019. Collection method: clinical testing. Allele origin: germline.

Eurofins Ntd Llc (ga)
Classification: Uncertain significance. Last evaluated: 2015-05-11. Review status: criteria provided, single submitter. Criteria: EGL Classification Definitions 2015. Collection method: clinical testing. Allele origin: germline. Observed: 1 variant allele, 1 heterozygote.